The following is an entry in ClinVar:

ClinVar aggregate classification (germline): Likely benign (0 of 4 stars; one submission).

Conditions:
PLXNA1-related disorder. Also called: PLXNA1-related condition.

Allele frequency attached by ClinVar (database versions not stated): gnomAD 0.00001; TOPMed 0.00001; gnomAD exomes 0.00003; ExAC 0.00006; 1000 Genomes Project 30x 0.00016.
gnomAD v4.1: 43 of 1,613,050 alleles (0.0027%); highest among the groups gnomAD compares: South Asian, 0.03%; 1 homozygote.

Submission:

PreventionGenetics, part of Exact Sciences
Classification: Likely benign for PLXNA1-related condition. Last evaluated: 2022-12-09. Review status: no assertion criteria provided. Collection method: clinical testing. Allele origin: germline.
Comment: This variant is classified as likely benign based on ACMG/AMP sequence variant interpretation guidelines (Richards et al. 2015 PMID: 25741868, with internal and published modifications).

NM_032242.4(PLXNA1):c.525C>T (p.Ala175=)

Gene: PLXNA1 (plexin A1; plus strand). Cytogenetic location: 3q21.3.
Variant type: single nucleotide variant.
Coding change: c.525C>T on transcript NM_032242.4 (MANE Select); coding-DNA position 525, C replaced by T.
Protein change: p.Ala175=; no amino-acid change (alanine 175 retained).
Molecular consequence: synonymous variant.
Genome position (GRCh38, 1-based): chr3:126,989,118, C>T. VCF-style: chr3-126989118-C-T. GRCh37 (hg19) VCF-style: chr3-126707961-C-T.
Identifiers: ClinVar variation 3054007 (VCV003054007.2), dbSNP rs766513199, ClinGen allele CA2592991.